The following is an entry in ClinVar:

ClinVar aggregate classification (germline): Conflicting classifications of pathogenicity. Review status: criteria provided, conflicting classifications (1 of 4 stars). 6 submissions from 6 submitters: Uncertain significance (1); Benign (1); Likely benign (4). Last evaluated 2026-02-17.

Conditions:
MYH14-related disorder. Also called: MYH14-related condition.
Autosomal dominant nonsyndromic hearing loss 4A. Also called: Deafness, autosomal dominant 4A. Identifiers: Orphanet 90635, MedGen C1833503, MONDO:0010915, OMIM 600652.

Allele frequency attached by ClinVar (database versions not stated): gnomAD 0.00003 and 0.00005; gnomAD exomes 0.00004 and 0.00008; TOPMed 0.00005; ExAC 0.00007; 1000 Genomes Project 30x 0.00078; 1000 Genomes Project 0.00080.
gnomAD v4.1: 78 of 1,605,864 alleles (0.0049%); highest among the groups gnomAD compares: East Asian, 0.058%; no homozygotes.

Submissions (6):

Women's Health and Genetics/Laboratory Corporation of America, LabCorp
Classification: Benign. Last evaluated: 2026-02-17. Review status: criteria provided, single submitter. Criteria: LabCorp Variant Classification Summary - May 2015. Collection method: clinical testing. Allele origin: germline.

PreventionGenetics, part of Exact Sciences
Classification: Likely benign for MYH14-related condition. Last evaluated: 2025-04-02. Review status: criteria provided, single submitter. Criteria: ACMG Guidelines, 2015. Collection method: clinical testing. Allele origin: germline.
Comment: This variant is classified as likely benign based on ACMG/AMP sequence variant interpretation guidelines (Richards et al. 2015 PMID: 25741868, with internal and published modifications).

Labcorp Genetics (formerly Invitae), Labcorp
Classification: Likely benign. Last evaluated: 2025-02-13. Review status: criteria provided, single submitter. Criteria: Invitae Variant Classification Sherloc (09022015). Collection method: clinical testing. Allele origin: germline.

Blueprint Genetics
Classification: Likely benign. Last evaluated: 2023-08-28. Review status: criteria provided, single submitter. Criteria: ACMG Guidelines, 2015. Collection method: clinical testing. Allele origin: germline.

Illumina Laboratory Services, Illumina
Classification: Uncertain significance for Autosomal dominant nonsyndromic hearing loss 4A. Last evaluated: 2018-01-13. Review status: criteria provided, single submitter. Criteria: ICSL Variant Classification Criteria 13 December 2019. Collection method: clinical testing. Allele origin: germline.

Laboratory for Molecular Medicine, Mass General Brigham Personalized Medicine
Classification: Likely benign. Last evaluated: 2017-02-16. Review status: criteria provided, single submitter. Criteria: LMM Criteria. Collection method: clinical testing. Allele origin: germline. Observed: 2 variant alleles.
Comment: c.4939+10C>T in Intron 33 of MYH14: This variant is not expected to have clinica l significance because it is not located within the conserved region of the spli ce consensus sequence and is not predicted to alter splicing. This variant has been identified in 7/ 8362 of East Asian chromosomes by the Exome Aggregation Co nsortium (ExAC; dbSNP rs561531825).

NM_001145809.2(MYH14):c.4539+10C>T

Gene: MYH14 (myosin heavy chain 14; plus strand). Cytogenetic location: 19q13.33.
Variant type: single nucleotide variant.
Coding change: c.4539+10C>T on transcript NM_001145809.2 (MANE Select); 10 bases into the intron after coding-DNA position 4539, C replaced by T.
Molecular consequence: intron variant.
Genome position (GRCh38, 1-based): chr19:50,281,852, C>T. VCF-style: chr19-50281852-C-T. GRCh37 (hg19) VCF-style: chr19-50785109-C-T.
Other names: c.4440+10C>T (NM_001077186.2); c.4416+10C>T (NM_024729.4).
Identifiers: ClinVar variation 164195 (VCV000164195.14), dbSNP rs561531825, ClinGen allele CA176914.